The following is an entry in ClinVar:

ClinVar aggregate classification (germline): Uncertain significance (0 of 4 stars; one submission).

Conditions:
SRD5A2-related disorder. Also called: SRD5A2-related condition.

gnomAD v4.1: 5 of 1,552,492 alleles (0.00032%); highest among the groups gnomAD compares: East Asian, 0.0098%; no homozygotes.

Submission:

PreventionGenetics, part of Exact Sciences
Classification: Uncertain significance for SRD5A2-related condition. Last evaluated: 2024-05-17. Review status: no assertion criteria provided. Collection method: clinical testing. Allele origin: germline.
Comment: The SRD5A2 c.425C>T variant is predicted to result in the amino acid substitution p.Thr142Ile. To our knowledge, this variant has not been reported in the literature. This variant is reported in 0.0080% of alleles in individuals of East Asian descent in gnomAD. At this time, the clinical significance of this variant is uncertain due to the absence of conclusive functional and genetic evidence.

NM_000348.4(SRD5A2):c.425C>T (p.Thr142Ile)

Gene: SRD5A2 (steroid 5 alpha-reductase 2; minus strand). Cytogenetic location: 2p23.1.
Variant type: single nucleotide variant.
Coding change: c.425C>T on transcript NM_000348.4 (MANE Select); coding-DNA position 425, C replaced by T.
Protein change: p.Thr142Ile; replaces threonine 142 with isoleucine.
Molecular consequence: missense variant.
Genome position (GRCh38, 1-based): chr2:31,533,623, G>A on the plus strand (C>T on the coding strand, the complement: SRD5A2 is on the minus strand). VCF-style: chr2-31533623-G-A. GRCh37 (hg19) VCF-style: chr2-31758693-G-A.
Other names: short protein forms T142I.
Identifiers: ClinVar variation 3350861 (VCV003350861.1).